The following is an entry in ClinVar:

NM_001353108.3(CEP63):c.27A>G (p.Gln9=)

Gene: CEP63 (centrosomal protein 63; plus strand). Cytogenetic location: 3q22.2.
Variant type: single nucleotide variant.
Coding change: c.27A>G on transcript NM_001353108.3 (MANE Select); coding-DNA position 27, A replaced by G.
Protein change: p.Gln9=; no amino-acid change (glutamine 9 retained).
Molecular consequence: synonymous variant. On other transcripts: missense variant (1), 5 prime UTR variant (2), non-coding transcript variant (4).
Genome position (GRCh38, 1-based): chr3:134,495,347, A>G. VCF-style: chr3-134495347-A-G. GRCh37 (hg19) VCF-style: chr3-134214189-A-G.
Other names: c.27A>G, p.Gln9= (NM_001042383.2, NM_001042384.2, NM_001042400.3 and 13 more transcripts); c.58A>G, p.Lys20Glu (NM_001353118.1); c.-54A>G (NM_001353125.2); c.-355A>G (NM_001353126.2); short protein forms K20E.
Identifiers: ClinVar variation 2654164 (VCV002654164.24), dbSNP rs1331595089, ClinGen allele CA435830692.
Genomic context (GRCh38, chr3:134,495,347, plus strand): 5'-CTTTGTCAGTTGCCAAAACAAAGGGGATTTGGTGATGGAGGCTTTGTTAGAAGGAATACA[A>G]AATCGAGGGCATGGTGGGTAAGTTTGCTTTTTTTAAAATTAATTTTTTTGGTTAATACAT-3'
Protein context (NP_001340037.1, residues 1-19): MEALLEGI[Gln9=]NRGHGGGFLT

ClinVar aggregate classification (germline): Likely benign (1 of 4 stars; one submission).

Allele frequency attached by ClinVar (database versions not stated): TOPMed below 0.00001.

Submission:

CeGaT Center for Human Genetics Tuebingen
Classification: Likely benign. Last evaluated: 2023-02-01. Review status: criteria provided, single submitter. Criteria: CeGaT Center For Human Genetics Tuebingen Variant Classification Criteria Version 2. Collection method: clinical testing. Allele origin: germline. Affected: yes. Observed: 1 variant allele.
Comment: CEP63: PM2:Supporting, BP4, BP7